The following is an entry in ClinVar:

ClinVar aggregate classification (germline): Conflicting classifications of pathogenicity. Review status: criteria provided, conflicting classifications (1 of 4 stars). 4 submissions from 4 submitters: Uncertain significance (2); Likely benign (1). 1 of the submissions does not count toward it. Last evaluated 2025-12-03.

Conditions:
Microcephalic osteodysplastic primordial dwarfism type II (MOPD2). Also called: Microcephalic osteodysplastic primordial dwarfism with tooth abnormalities; MOPD II; OSTEODYSPLASTIC PRIMORDIAL DWARFISM, TYPE II. Identifiers: Orphanet 2637, MedGen C0432246, MONDO:0008872, OMIM 210720.
PCNT-related disorder. Also called: PCNT-related condition.

Allele frequency attached by ClinVar (database versions not stated): TOPMed 0.00014.

Submissions (4):

Labcorp Genetics (formerly Invitae), Labcorp
Classification: Likely benign. Last evaluated: 2025-12-03. Review status: criteria provided, single submitter. Criteria: Invitae Variant Classification Sherloc (09022015). Collection method: clinical testing. Allele origin: germline.

Illumina Laboratory Services, Illumina
Classification: Uncertain significance for Microcephalic osteodysplastic primordial dwarfism type II. Last evaluated: 2018-01-13. Review status: criteria provided, single submitter. Criteria: ICSL Variant Classification Criteria 13 December 2019. Collection method: clinical testing. Allele origin: germline.

Genetic Services Laboratory, University of Chicago
Classification: Uncertain significance. Last evaluated: 2017-04-19. Review status: criteria provided, single submitter. Criteria: ACMG Guidelines, 2015. Collection method: clinical testing. Allele origin: germline. Affected: no.

PreventionGenetics, part of Exact Sciences
Classification: Likely benign for PCNT-related condition. Last evaluated: 2024-09-03. Review status: no assertion criteria provided. Collection method: clinical testing. Allele origin: germline. Not counted in ClinVar's aggregate classification.
Comment: This variant is classified as likely benign based on ACMG/AMP sequence variant interpretation guidelines (Richards et al. 2015 PMID: 25741868, with internal and published modifications).

NM_006031.6(PCNT):c.5792G>T (p.Arg1931Leu)

Gene: PCNT (pericentrin; plus strand). Cytogenetic location: 21q22.3.
Variant type: single nucleotide variant.
Coding change: c.5792G>T on transcript NM_006031.6 (MANE Select); coding-DNA position 5792, G replaced by T.
Protein change: p.Arg1931Leu; replaces arginine 1931 with leucine.
Molecular consequence: missense variant.
Genome position (GRCh38, 1-based): chr21:46,411,865, G>T. VCF-style: chr21-46411865-G-T. GRCh37 (hg19) VCF-style: chr21-47831779-G-T.
Other names: c.5438G>T, p.Arg1813Leu (NM_001315529.2); short protein forms R1931L, R1813L.
Identifiers: ClinVar variation 340509 (VCV000340509.19), dbSNP rs776640595, ClinGen allele CA10080091.